The following is an entry in ClinVar:

ClinVar aggregate classification (germline): Uncertain significance. Review status: criteria provided, multiple submitters, no conflicts (2 of 4 stars). 2 submissions from 2 submitters: Uncertain significance (2). Last evaluated 2024-02-17.

Conditions:
Hereditary cancer-predisposing syndrome. Also called: Hereditary Cancer Syndrome; Hereditary neoplastic syndrome; Neoplastic Syndromes, Hereditary; Tumor predisposition. Identifiers: Orphanet 140162, MedGen C0027672, MeSH D009386, MONDO:0015356.

Submissions (2):

Labcorp Genetics (formerly Invitae), Labcorp
Classification: Uncertain significance. Last evaluated: 2024-02-17. Review status: criteria provided, single submitter. Criteria: Invitae Variant Classification Sherloc (09022015). Collection method: clinical testing. Allele origin: germline.
Comment: This sequence change replaces threonine, which is neutral and polar, with asparagine, which is neutral and polar, at codon 331 of the MSH3 protein (p.Thr331Asn). This variant is not present in population databases (gnomAD no frequency). This variant has not been reported in the literature in individuals affected with MSH3-related conditions. ClinVar contains an entry for this variant (Variation ID: 1768633). An algorithm developed to predict the effect of missense changes on protein structure and function (PolyPhen-2) suggests that this variant is likely to be disruptive. In summary, the available evidence is currently insufficient to determine the role of this variant in disease. Therefore, it has been classified as a Variant of Uncertain Significance.

Ambry Genetics
Classification: Uncertain significance for Hereditary cancer-predisposing syndrome. Last evaluated: 2021-05-21. Review status: criteria provided, single submitter. Criteria: Ambry Variant Classification Scheme 2023. Collection method: clinical testing. Allele origin: germline.
Comment: The p.T331N variant (also known as c.992C>A), located in coding exon 6 of the MSH3 gene, results from a C to A substitution at nucleotide position 992. The threonine at codon 331 is replaced by asparagine, an amino acid with similar properties. This amino acid position is well conserved in available vertebrate species. In addition, the in silico prediction for this alteration is inconclusive. Since supporting evidence is limited at this time, the clinical significance of this alteration remains unclear.

NM_002439.5(MSH3):c.992C>A (p.Thr331Asn)

Genes: MSH3 (mutS homolog 3; plus strand), LOC126807437 (MED14-independent group 3 enhancer GRCh37_chr5:79968379-79969578; plus strand). Cytogenetic location: 5q14.1.
Variant type: single nucleotide variant.
Coding change: c.992C>A on transcript NM_002439.5 (MANE Select); coding-DNA position 992, C replaced by A.
Protein change: p.Thr331Asn; replaces threonine 331 with asparagine.
Molecular consequence: missense variant.
Genome position (GRCh38, 1-based): chr5:80,672,823, C>A. VCF-style: chr5-80672823-C-A. GRCh37 (hg19) VCF-style: chr5-79968642-C-A.
Other names: short protein forms T331N.
Identifiers: ClinVar variation 1768633 (VCV001768633.7), dbSNP rs2546722965, ClinGen allele CA360267491.